The following is an entry in ClinVar:

ClinVar aggregate classification (germline): Uncertain significance (1 of 4 stars; one submission).

Conditions:
Epilepsy, familial focal, with variable foci 3 (FFEVF3). Identifiers: MedGen C4310708, MONDO:0014925, OMIM 617118.

Submission:

Labcorp Genetics (formerly Invitae), Labcorp
Classification: Uncertain significance for Epilepsy, familial focal, with variable foci 3. Last evaluated: 2022-03-21. Review status: criteria provided, single submitter. Criteria: Invitae Variant Classification Sherloc (09022015). Collection method: clinical testing. Allele origin: unknown.
Comment: In summary, the available evidence is currently insufficient to determine the role of this variant in disease. Therefore, it has been classified as a Variant of Uncertain Significance. Experimental studies and prediction algorithms are not available or were not evaluated, and the functional significance of this variant is currently unknown. This variant has not been reported in the literature in individuals affected with NPRL3-related conditions. This variant results in a copy number gain of the genomic region encompassing exon(s) 9-14 of the NPRL3 gene. This region includes the termination codon of the gene. This copy number gain extends beyond the assayed region for this gene and therefore may encompass additional genes. As the precise location of this event is unknown, it may be in tandem or it may be located elsewhere in the genome.

NC_000016.9:g.(?_97132)_(148319_?)dup

Genes: SNRNP25 (small nuclear ribonucleoprotein U11/U12 subunit 25; plus strand), MPG (N-methylpurine DNA glycosylase; plus strand), NPRL3 (NPR3 like, GATOR1 complex subunit; minus strand), POLR3K (RNA polymerase III subunit K; minus strand), RHBDF1 (rhomboid 5 homolog 1; minus strand). Cytogenetic location: 16p13.3.
Variant type: Duplication.
Identifiers: ClinVar variation 3243562 (VCV003243562.1).